The following is an entry in ClinVar:

ClinVar aggregate classification (germline): Uncertain significance (1 of 4 stars; one submission).

Allele frequency attached by ClinVar (database versions not stated): TOPMed 0.00004; gnomAD 0.00007; gnomAD exomes 0.00008; ExAC 0.00012; 1000 Genomes Project 30x 0.00016; 1000 Genomes Project 0.00020.
gnomAD v4.1: 136 of 1,613,912 alleles (0.0084%); highest among the groups gnomAD compares: South Asian, 0.09%; 2 homozygotes.

Submission:

Labcorp Genetics (formerly Invitae), Labcorp
Classification: Uncertain significance. Last evaluated: 2023-03-04. Review status: criteria provided, single submitter. Criteria: Invitae Variant Classification Sherloc (09022015). Collection method: clinical testing. Allele origin: germline.
Comment: This variant has not been reported in the literature in individuals affected with FAT2-related conditions. In summary, the available evidence is currently insufficient to determine the role of this variant in disease. Therefore, it has been classified as a Variant of Uncertain Significance. Algorithms developed to predict the effect of missense changes on protein structure and function output the following: SIFT: "Not Available"; PolyPhen-2: "Benign"; Align-GVGD: "Not Available". The glutamine amino acid residue is found in multiple mammalian species, which suggests that this missense change does not adversely affect protein function. This variant is present in population databases (rs562997126, gnomAD 0.09%), and has an allele count higher than expected for a pathogenic variant. This sequence change replaces arginine, which is basic and polar, with glutamine, which is neutral and polar, at codon 544 of the FAT2 protein (p.Arg544Gln).

NM_001447.3(FAT2):c.1631G>A (p.Arg544Gln)

Gene: FAT2 (FAT atypical cadherin 2; minus strand). Cytogenetic location: 5q33.1.
Variant type: single nucleotide variant.
Coding change: c.1631G>A on transcript NM_001447.3 (MANE Select); coding-DNA position 1631, G replaced by A.
Protein change: p.Arg544Gln; replaces arginine 544 with glutamine.
Molecular consequence: missense variant.
Genome position (GRCh38, 1-based): chr5:151,567,301, C>T on the plus strand (G>A on the coding strand, the complement: FAT2 is on the minus strand). VCF-style: chr5-151567301-C-T. GRCh37 (hg19) VCF-style: chr5-150946862-C-T.
Other names: short protein forms R544Q.
Identifiers: ClinVar variation 2913328 (VCV002913328.3), dbSNP rs562997126, ClinGen allele CA3522222.